The following is an entry in ClinVar:

NM_005228.5(EGFR):c.2745T>A (p.Tyr915Ter)

Gene: EGFR (epidermal growth factor receptor; plus strand). Cytogenetic location: 7p11.2.
Variant type: single nucleotide variant.
Coding change: c.2745T>A on transcript NM_005228.5 (MANE Select); coding-DNA position 2745, T replaced by A.
Protein change: p.Tyr915Ter; replaces tyrosine 915 with a stop codon.
Molecular consequence: nonsense.
Genome position (GRCh38, 1-based): chr7:55,198,760, T>A. VCF-style: chr7-55198760-T-A. GRCh37 (hg19) VCF-style: chr7-55266453-T-A.
Other names: c.2610T>A, p.Tyr870Ter (NM_001346897.2, NM_001346899.2); c.2745T>A, p.Tyr915Ter (NM_001346898.2); c.2586T>A, p.Tyr862Ter (NM_001346900.2); c.1944T>A, p.Tyr648Ter (NM_001346941.2); short protein forms Y870*, Y648*, Y862*, Y915*.
Identifiers: ClinVar variation 962242 (VCV000962242.8), dbSNP rs1275784384, ClinGen allele CA367581266.

ClinVar aggregate classification (germline): Conflicting classifications of pathogenicity. Review status: criteria provided, conflicting classifications (1 of 4 stars). 2 submissions from 2 submitters: Pathogenic (1); Uncertain significance (1). Last evaluated 2026-04-13.

Conditions:
EGFR-related lung cancer (EGFR). Identifiers: MedGen CN130014.
Hereditary cancer-predisposing syndrome. Also called: Hereditary Cancer Syndrome; Neoplastic Syndromes, Hereditary; Tumor predisposition; Hereditary neoplastic syndrome. Identifiers: Orphanet 140162, MedGen C0027672, MeSH D009386, MONDO:0015356.

Allele frequency attached by ClinVar (database versions not stated): TOPMed below 0.00001.

Submissions (2):

Ambry Genetics
Classification: Uncertain significance for Hereditary cancer-predisposing syndrome. Last evaluated: 2026-04-13. Review status: criteria provided, single submitter. Criteria: Ambry Variant Classification Scheme 2023. Collection method: clinical testing. Allele origin: germline.
Comment: The p.Y915* variant (also known as c.2745T>A), located in coding exon 23 of the EGFR gene, results from a T to A substitution at nucleotide position 2745. This changes the amino acid from a tyrosine to a stop codon within coding exon 23. This alteration is expected to result in loss of function by premature protein truncation or nonsense-mediated mRNA decay. Although biallelic loss of function of EGFR are known to cause EGFR-related neonatal inflammatory skin and bowel disease, such associations with EGFR-related lung cancer have not been reported. Based on the supporting evidence, this variant is expected to be causative of EGFR-related neonatal inflammatory skin and bowel disease when present along with a second pathogenic variant on the other allele; however, its clinical significance for EGFR-related lung cancer is unclear.

Labcorp Genetics (formerly Invitae), Labcorp
Classification: Pathogenic for EGFR-related lung cancer. Last evaluated: 2022-10-17. Review status: criteria provided, single submitter. Criteria: Invitae Variant Classification Sherloc (09022015). Collection method: clinical testing. Allele origin: germline.
Comment: This sequence change creates a premature translational stop signal (p.Tyr915*) in the EGFR gene. It is expected to result in an absent or disrupted protein product. Loss-of-function variants in EGFR are known to be pathogenic (PMID: 7630400, 28726809, 29899996). This variant is not present in population databases (gnomAD no frequency). This variant has not been reported in the literature in individuals affected with EGFR-related conditions. ClinVar contains an entry for this variant (Variation ID: 962242). For these reasons, this variant has been classified as Pathogenic.

Literature cited by the submitters: PubMed 7630400 (cited by Labcorp Genetics (formerly Invitae), Labcorp); PubMed 28726809 (cited by Labcorp Genetics (formerly Invitae), Labcorp); PubMed 29899996 (cited by Labcorp Genetics (formerly Invitae), Labcorp).